The following is an entry in ClinVar:

NM_020831.6(MRTFA):c.2783C>T (p.Thr928Ile)

Gene: MRTFA (myocardin related transcription factor A; minus strand). Cytogenetic location: 22q13.1.
Variant type: single nucleotide variant.
Coding change: c.2783C>T on transcript NM_020831.6 (MANE Select); coding-DNA position 2783, C replaced by T.
Protein change: p.Thr928Ile; replaces threonine 928 with isoleucine.
Molecular consequence: missense variant. On other transcripts: 3 prime UTR variant (1).
Genome position (GRCh38, 1-based): chr22:40,411,703, G>A on the plus strand (C>T on the coding strand, the complement: MRTFA is on the minus strand). VCF-style: chr22-40411703-G-A. GRCh37 (hg19) VCF-style: chr22-40807707-G-A.
Other names: c.2483C>T, p.Thr828Ile (NM_001282660.2); c.2633C>T, p.Thr878Ile (NM_001282661.3); c.*96C>T (NM_001282662.3); c.2588C>T, p.Thr863Ile (NM_001318139.2); c.2483C>T (NM_020831.3); short protein forms T863I, T928I, T828I, T878I.
Identifiers: ClinVar variation 2063394 (VCV002063394.5), dbSNP rs762399447, ClinGen allele CA10249218.
Genomic context (GRCh38, chr22:40,411,703, plus strand): 5'-AGCATCTGGCTATGGAGGTCGTCAATGAGGGAAAGGGGCTCTGGCCCGTCATGCCCACTG[G>A]TCAGCAGGGGCAGCCCCGTGCTGCTCTCCAGGAAGTCCTCCAGGCGTCCAGGGAGGGAGG-3'
Protein context (NP_065882.2, residues 918-938): LESSTGLPLL[Thr928Ile]SGHDGPEPLS

ClinVar aggregate classification (germline): Uncertain significance. Review status: criteria provided, multiple submitters, no conflicts (2 of 4 stars). 2 submissions from 2 submitters: Uncertain significance (2). Last evaluated 2026-01-22.

Allele frequency attached by ClinVar (database versions not stated): gnomAD 0.00001; TOPMed 0.00005; ExAC 0.00012.
gnomAD v4.1: 35 of 1,587,752 alleles (0.0022%); highest among the groups gnomAD compares: Admixed American, 0.059%; no homozygotes.

Submissions (2):

Labcorp Genetics (formerly Invitae), Labcorp
Classification: Uncertain significance. Last evaluated: 2026-01-22. Review status: criteria provided, single submitter. Criteria: Invitae Variant Classification Sherloc (09022015). Collection method: clinical testing. Allele origin: germline.
Comment: This sequence change replaces threonine, which is neutral and polar, with isoleucine, which is neutral and non-polar, at codon 828 of the MKL1 protein (p.Thr828Ile). This variant is present in population databases (rs762399447, gnomAD 0.09%), and has an allele count higher than expected for a pathogenic variant. This variant has not been reported in the literature in individuals affected with MKL1-related conditions. ClinVar contains an entry for this variant (Variation ID: 2063394). An algorithm developed to predict the effect of missense changes on protein structure and function (PolyPhen-2) suggests that this variant is likely to be disruptive. In summary, the available evidence is currently insufficient to determine the role of this variant in disease. Therefore, it has been classified as a Variant of Uncertain Significance.

Ambry Genetics
Classification: Uncertain significance. Last evaluated: 2021-12-17. Review status: criteria provided, single submitter. Criteria: Ambry Variant Classification Scheme 2023. Collection method: clinical testing. Allele origin: germline.